The following is an entry in ClinVar:

NM_000489.6(ATRX):c.1466C>T (p.Thr489Ile)

Gene: ATRX (ATRX chromatin remodeler; minus strand). Cytogenetic location: Xq21.1.
Variant type: single nucleotide variant.
Coding change: c.1466C>T on transcript NM_000489.6 (MANE Select); coding-DNA position 1466, C replaced by T.
Protein change: p.Thr489Ile; replaces threonine 489 with isoleucine.
Molecular consequence: missense variant.
Genome position (GRCh38, 1-based): chrX:77,683,790, G>A on the plus strand (C>T on the coding strand, the complement: ATRX is on the minus strand). VCF-style: chrX-77683790-G-A. GRCh37 (hg19) VCF-style: chrX-76939282-G-A.
Other names: c.1352C>T, p.Thr451Ile (NM_138270.5); short protein forms T451I, T489I.
Identifiers: ClinVar variation 1709053 (VCV001709053.2), dbSNP rs1557141595, ClinGen allele CA413717931.

ClinVar aggregate classification (germline): Uncertain significance (1 of 4 stars; one submission).

Conditions:
Intellectual disability-hypotonic facies syndrome, X-linked, 1 (MRXHF1). Also called: X-linked intellectual disability-hypotonic face syndrome; XLMR-HYPOTONIC FACIES SYNDROME; CHUDLEY-LOWRY SYNDROME; Chudley syndrome 1; Chudley-Lowry-Hoar syndrome; Carpenter-Waziri syndrome. Identifiers: Orphanet 73220, Orphanet 93970, Orphanet 93971, Orphanet 93972, Orphanet 93973, Orphanet 93974, Orphanet 93975, MedGen C4759781, MONDO:0010663, OMIM 309580.

Allele frequency attached by ClinVar (database versions not stated): gnomAD exomes below 0.00001.
gnomAD v4.1: 3 of 1,209,454 alleles (0.00025%); highest among the groups gnomAD compares: South Asian, 0.0018%; no homozygotes.

Submission:

MGZ Medical Genetics Center
Classification: Uncertain significance for Intellectual disability-hypotonic facies syndrome, X-linked, 1. Last evaluated: 2021-10-28. Review status: criteria provided, single submitter. Criteria: ACMG Guidelines, 2015. Collection method: clinical testing. Allele origin: germline. Affected: yes. Observed: 1 variant allele.
Comment: ACMG criteria applied: PM2_SUP